The following is an entry in ClinVar:

NM_000057.4(BLM):c.914C>G (p.Pro305Arg)

Gene: BLM (BLM RecQ like helicase; plus strand). Cytogenetic location: 15q26.1.
Variant type: single nucleotide variant.
Coding change: c.914C>G on transcript NM_000057.4 (MANE Select); coding-DNA position 914, C replaced by G.
Protein change: p.Pro305Arg; replaces proline 305 with arginine.
Molecular consequence: missense variant. On other transcripts: 5 prime UTR variant (1).
Genome position (GRCh38, 1-based): chr15:90,751,901, C>G. VCF-style: chr15-90751901-C-G. GRCh37 (hg19) VCF-style: chr15-91295131-C-G.
Other names: c.914C>G, p.Pro305Arg (NM_001287246.2, NM_001287247.2); c.-378C>G (NM_001287248.2); short protein forms P305R.
Identifiers: ClinVar variation 823047 (VCV000823047.13), dbSNP rs773421970, ClinGen allele CA7738388.

ClinVar aggregate classification (germline): Uncertain significance. Review status: criteria provided, multiple submitters, no conflicts (2 of 4 stars). 3 submissions from 3 submitters: Uncertain significance (2). 1 of the submissions does not count toward it. Last evaluated 2025-10-12.

Conditions:
Bloom syndrome (BLM). Also called: Bloom-Torre-Machacek syndrome. Identifiers: Orphanet 125, MedGen C0005859, MONDO:0008876, OMIM 210900.
Hereditary cancer-predisposing syndrome. Also called: Tumor predisposition; Hereditary Cancer Syndrome; Neoplastic Syndromes, Hereditary; Hereditary neoplastic syndrome. Identifiers: Orphanet 140162, MedGen C0027672, MeSH D009386, MONDO:0015356.

Allele frequency attached by ClinVar (database versions not stated): ExAC 0.00001; gnomAD exomes 0.00002.
gnomAD v4.1: 6 of 1,613,132 alleles (0.00037%); highest among the groups gnomAD compares: South Asian, 0.0066%; no homozygotes.

Submissions (3):

Labcorp Genetics (formerly Invitae), Labcorp
Classification: Uncertain significance for Bloom syndrome. Last evaluated: 2025-10-12. Review status: criteria provided, single submitter. Criteria: Invitae Variant Classification Sherloc (09022015). Collection method: clinical testing. Allele origin: germline.
Comment: This sequence change replaces proline, which is neutral and non-polar, with arginine, which is basic and polar, at codon 305 of the BLM protein (p.Pro305Arg). This variant is present in population databases (rs773421970, gnomAD 0.01%). This variant has not been reported in the literature in individuals affected with BLM-related conditions. ClinVar contains an entry for this variant (Variation ID: 823047). Invitae Evidence Modeling of protein sequence and biophysical properties (such as structural, functional, and spatial information, amino acid conservation, physicochemical variation, residue mobility, and thermodynamic stability) indicates that this missense variant is not expected to disrupt BLM protein function with a negative predictive value of 80%. In summary, the available evidence is currently insufficient to determine the role of this variant in disease. Therefore, it has been classified as a Variant of Uncertain Significance.

Ambry Genetics
Classification: Uncertain significance for Hereditary cancer-predisposing syndrome. Last evaluated: 2024-10-23. Review status: criteria provided, single submitter. Criteria: Ambry Variant Classification Scheme 2023. Collection method: clinical testing. Allele origin: germline.
Comment: The p.P305R variant (also known as c.914C>G), located in coding exon 3 of the BLM gene, results from a C to G substitution at nucleotide position 914. The proline at codon 305 is replaced by arginine, an amino acid with dissimilar properties. This amino acid position is highly conserved in available vertebrate species. In addition, this alteration is predicted to be deleterious by in silico analysis. Since supporting evidence is limited at this time, the clinical significance of this alteration remains unclear.

Natera, Inc.
Classification: Uncertain significance for Bloom syndrome. Last evaluated: 2020-07-12. Review status: no assertion criteria provided. Collection method: clinical testing. Allele origin: germline. Not counted in ClinVar's aggregate classification.